The following is an entry in ClinVar:

NM_000257.4(MYH7):c.3050T>C (p.Val1017Ala)

Gene: MYH7 (myosin heavy chain 7; minus strand). Cytogenetic location: 14q11.2.
Variant type: single nucleotide variant.
Coding change: c.3050T>C on transcript NM_000257.4 (MANE Select); coding-DNA position 3050, T replaced by C.
Protein change: p.Val1017Ala; replaces valine 1017 with alanine.
Molecular consequence: missense variant.
Genome position (GRCh38, 1-based): chr14:23,423,596, A>G on the plus strand (T>C on the coding strand, the complement: MYH7 is on the minus strand). VCF-style: chr14-23423596-A-G. GRCh37 (hg19) VCF-style: chr14-23892805-A-G.
Other names: c.3050T>C, p.Val1017Ala (NM_001407004.1); short protein forms V1017A.
Identifiers: ClinVar variation 4883032 (VCV004883032.3).
Genomic context (GRCh38, chr14:23,423,596, plus strand): 5'-AATCTACTCACATCATCCACTTGCTGCTCCAGCTTGACTTTGGCCTTAGTCAGGGTGTTG[A>G]CCTTGTCCTCCTCGGCCTGAAGGTCATCCAGAGCCTGTTGGTGGGCCTCTTGCAGAGCTT-3'
Protein context (NP_000248.2, residues 1007-1027): LDDLQAEEDK[Val1017Ala]NTLTKAKVKL

ClinVar aggregate classification (germline): Uncertain significance. Review status: criteria provided, multiple submitters, no conflicts (2 of 4 stars). 2 submissions from 2 submitters: Uncertain significance (2). Last evaluated 2025-01-25.

Submissions (2):

Dasa
Classification: Uncertain significance. Last evaluated: 2025-01-25. Review status: criteria provided, single submitter. Criteria: DASA Assertion Criteria. Collection method: clinical testing. Allele origin: germline.
Comment: NM_000257.4(MYH7):c.3050T>C (p.Val1017Ala) is a missense variant that results in the substitution of valine with alanine. This variant is rare in population databases. The currently available literature and clinical evidence are not sufficient to establish a definitive association between this variant and the reported condition. Therefore, this variant is classified as a variant of uncertain significance.

Blueprint Genetics
Classification: Uncertain significance. Last evaluated: 2023-08-04. Review status: criteria provided, single submitter. Criteria: ACMG Guidelines, 2015. Collection method: clinical testing. Allele origin: germline.